The following is an entry in ClinVar:

ClinVar aggregate classification (germline): Likely pathogenic. Review status: criteria provided, multiple submitters, no conflicts (2 of 4 stars). 2 submissions from 2 submitters: Likely pathogenic (2). Last evaluated 2017-11-01.

Allele frequency attached by ClinVar (database versions not stated): gnomAD exomes below 0.00001 and 0.00002; ExAC 0.00001; gnomAD 0.00001; TOPMed 0.00001; ESP Exome Variant Server 0.00008.
gnomAD v4.1: 27 of 1,574,240 alleles (0.0017%); highest among the groups gnomAD compares: Non-Finnish European, 0.0023%; no homozygotes.

Submissions (2):

CeGaT Center for Human Genetics Tuebingen
Classification: Likely pathogenic. Last evaluated: 2017-11-01. Review status: criteria provided, single submitter. Criteria: CeGaT Center For Human Genetics Tuebingen Variant Classification Criteria Version 2. Collection method: clinical testing. Allele origin: germline. Affected: yes. Observed: 1 variant allele.

GeneDx
Classification: Likely pathogenic. Last evaluated: 2017-09-25. Review status: criteria provided, single submitter. Criteria: GeneDx Variant Classification (06012015). Collection method: clinical testing. Allele origin: germline. Affected: yes.
Comment: The c.1179-2A>G variant in the GLDN gene has not been reported previously as a pathogenic variant nor as a benign variant, to our knowledge. This splice site variant destroys the canonical splice acceptor site in intron 9. It is predicted to cause abnormal gene splicing, either leading to an abnormal message that is subject to nonsense-mediated mRNA decay, or to an abnormal protein product if the message is used for protein translation. The c.1179-2A>G variant is not observed at a significant frequency in large population cohorts (Lek et al., 2016). We interpret c.1179-2A>G as a likely pathogenic variant.

NM_181789.4(GLDN):c.1179-2A>G

Gene: GLDN (gliomedin; plus strand). Cytogenetic location: 15q21.2.
Variant type: single nucleotide variant.
Coding change: c.1179-2A>G on transcript NM_181789.4 (MANE Select); the canonical splice acceptor site of the intron before coding-DNA position 1179, A replaced by G.
Molecular consequence: splice acceptor variant.
Genome position (GRCh38, 1-based): chr15:51,404,275, A>G. VCF-style: chr15-51404275-A-G. GRCh37 (hg19) VCF-style: chr15-51696472-A-G.
Other names: c.807-2A>G (NM_001330297.2).
Identifiers: ClinVar variation 452117 (VCV000452117.44), dbSNP rs141816048, ClinGen allele CA7560707.